The following is an entry in ClinVar:

NM_001278716.2(FBXL4):c.762G>T (p.Lys254Asn)

Gene: FBXL4 (F-box and leucine rich repeat protein 4; minus strand). Cytogenetic location: 6q16.2.
Variant type: single nucleotide variant.
Coding change: c.762G>T on transcript NM_001278716.2 (MANE Select); coding-DNA position 762, G replaced by T.
Protein change: p.Lys254Asn; replaces lysine 254 with asparagine.
Molecular consequence: missense variant.
Genome position (GRCh38, 1-based): chr6:98,917,470, C>A on the plus strand (G>T on the coding strand, the complement: FBXL4 is on the minus strand). VCF-style: chr6-98917470-C-A. GRCh37 (hg19) VCF-style: chr6-99365346-C-A.
Other names: c.762G>T, p.Lys254Asn (NM_012160.5); short protein forms K254N.
Identifiers: ClinVar variation 1964953 (VCV001964953.5), dbSNP rs953775721, ClinGen allele CA143880307.

ClinVar aggregate classification (germline): Uncertain significance (1 of 4 stars; one submission).

Allele frequency attached by ClinVar (database versions not stated): gnomAD exomes below 0.00001.
gnomAD v4.1: 2 of 1,614,040 alleles (0.00012%); highest among the groups gnomAD compares: Non-Finnish European, 0.00017%; no homozygotes.

Submission:

Labcorp Genetics (formerly Invitae), Labcorp
Classification: Uncertain significance. Last evaluated: 2022-07-12. Review status: criteria provided, single submitter. Criteria: Invitae Variant Classification Sherloc (09022015). Collection method: clinical testing. Allele origin: germline.
Comment: This sequence change replaces lysine, which is basic and polar, with asparagine, which is neutral and polar, at codon 254 of the FBXL4 protein (p.Lys254Asn). This variant is not present in population databases (gnomAD no frequency). This variant has not been reported in the literature in individuals affected with FBXL4-related conditions. Advanced modeling of protein sequence and biophysical properties (such as structural, functional, and spatial information, amino acid conservation, physicochemical variation, residue mobility, and thermodynamic stability) performed at Invitae indicates that this missense variant is not expected to disrupt FBXL4 protein function. In summary, the available evidence is currently insufficient to determine the role of this variant in disease. Therefore, it has been classified as a Variant of Uncertain Significance.